The following is an entry in ClinVar:

NM_003737.4(DCHS1):c.1160G>A (p.Arg387His)

Gene: DCHS1 (dachsous cadherin-related 1; minus strand). Cytogenetic location: 11p15.4.
Variant type: single nucleotide variant.
Coding change: c.1160G>A on transcript NM_003737.4 (MANE Select); coding-DNA position 1160, G replaced by A.
Protein change: p.Arg387His; replaces arginine 387 with histidine.
Molecular consequence: missense variant.
Genome position (GRCh38, 1-based): chr11:6,640,454, C>T on the plus strand (G>A on the coding strand, the complement: DCHS1 is on the minus strand). VCF-style: chr11-6640454-C-T. GRCh37 (hg19) VCF-style: chr11-6661685-C-T.
Other names: c.1160G>A (NM_003737.3); short protein forms R387H.
Identifiers: ClinVar variation 1147902 (VCV001147902.11), dbSNP rs145132459, ClinGen allele CA5861013.

ClinVar aggregate classification (germline): Conflicting classifications of pathogenicity. Review status: criteria provided, conflicting classifications (1 of 4 stars). 4 submissions from 4 submitters: Uncertain significance (3); Likely benign (1). Last evaluated 2026-01-26.

Conditions:
Van Maldergem syndrome 1 (VMLDS1). Also called: Van Maldergem syndrome 1 (VMLDS1). Identifiers: Orphanet 314679, MedGen C4551950, MONDO:0011070, OMIM 601390.
DCHS1-related disorder. Also called: DCHS1-related condition.

Allele frequency attached by ClinVar (database versions not stated): ExAC 0.00007; gnomAD exomes 0.00010; gnomAD 0.00013; TOPMed 0.00020; ESP Exome Variant Server 0.00046.
gnomAD v4.1: 282 of 1,613,696 alleles (0.017%); highest among the groups gnomAD compares: Non-Finnish European, 0.021%; no homozygotes.

Submissions (4):

Labcorp Genetics (formerly Invitae), Labcorp
Classification: Likely benign. Last evaluated: 2026-01-26. Review status: criteria provided, single submitter. Criteria: Invitae Variant Classification Sherloc (09022015). Collection method: clinical testing. Allele origin: germline.

PreventionGenetics, part of Exact Sciences
Classification: Uncertain significance for DCHS1-related condition. Last evaluated: 2025-12-31. Review status: criteria provided, single submitter. Criteria: ACMG Guidelines, 2015. Collection method: clinical testing. Allele origin: germline.
Comment: The DCHS1 c.1160G>A variant is predicted to result in the amino acid substitution p.Arg387His. To our knowledge, this variant has not been reported in the literature. This variant is reported in 0.014% of alleles in individuals of European (Non-Finnish) descent in gnomAD. At this time, the clinical significance of this variant is uncertain due to the absence of conclusive functional and genetic evidence.

Clinical Genomics Laboratory, Washington University in St. Louis
Classification: Uncertain significance for Van Maldergem syndrome 1. Last evaluated: 2025-10-16. Review status: criteria provided, single submitter. Criteria: ACMG Guidelines, 2015. Collection method: clinical testing. Allele origin: germline.
Comment: A DCHS1 c.1160G>A (p.Arg387His) variant was identified at a near heterozygous allelic fraction of 44.7%, a frequency which may be consistent with germline origin. This variant, to our knowledge, has not been reported in the medical literature but has been reported in the ClinVar database as a germline variant of uncertain signifiance by one submitter and a likely benign variant by one submitter (Variation ID: 1147902). It is observed on 282/1,613,696 alleles in the general population (gnomAD v4.1.0). Computational predictors are uncertain as to the impact of this variant on DCHS1 function. Due to limited information, and based on ACMG/AMP guidelines for variant interpretation (Richards S et al., PMID: 25741868), the clinical significance of this variant is uncertain at this time.

GeneDx
Classification: Uncertain significance. Last evaluated: 2022-11-23. Review status: criteria provided, single submitter. Criteria: GeneDx Variant Classification Process June 2021. Collection method: clinical testing. Allele origin: germline. Affected: yes.
Comment: In silico analysis supports that this missense variant has a deleterious effect on protein structure/function; Has not been previously published as pathogenic or benign to our knowledge